The following is an entry in ClinVar:

ClinVar aggregate classification (germline): Uncertain significance (1 of 4 stars; one submission).

Conditions:
LEPR-related disorder. Also called: LEPR-related disorders; LEPR-related condition.

gnomAD v4.1: 2 of 1,613,958 alleles (0.00012%); highest among the groups gnomAD compares: Non-Finnish European, 0.00017%; no homozygotes.

Submission:

PreventionGenetics, part of Exact Sciences
Classification: Uncertain significance for LEPR-related condition. Last evaluated: 2025-03-05. Review status: criteria provided, single submitter. Criteria: ACMG Guidelines, 2015. Collection method: clinical testing. Allele origin: germline.
Comment: The LEPR c.2827C>T variant is predicted to result in the amino acid substitution p.Leu943Phe. To our knowledge, this variant has not been reported in the literature. This variant is reported in 0.013% of alleles in individuals of European (Non-Finnish) descent in gnomAD. At this time, the clinical significance of this variant is uncertain due to the absence of conclusive functional and genetic evidence.

NM_002303.6(LEPR):c.2827C>T (p.Leu943Phe)

Gene: LEPR (leptin receptor; plus strand). Cytogenetic location: 1p31.3.
Variant type: single nucleotide variant.
Coding change: c.2827C>T on transcript NM_002303.6 (MANE Select); coding-DNA position 2827, C replaced by T.
Protein change: p.Leu943Phe; replaces leucine 943 with phenylalanine.
Molecular consequence: missense variant.
Genome position (GRCh38, 1-based): chr1:65,636,344, C>T. VCF-style: chr1-65636344-C-T. GRCh37 (hg19) VCF-style: chr1-66102027-C-T.
Other names: short protein forms L943F.
Identifiers: ClinVar variation 4999249 (VCV004999249.1).